The following is an entry in ClinVar:

ClinVar aggregate classification (germline): Uncertain significance. Review status: criteria provided, multiple submitters, no conflicts (2 of 4 stars). 2 submissions from 2 submitters: Uncertain significance (2). Last evaluated 2025-09-02.

Conditions:
Hemorrhage, intracerebral, susceptibility to (ICH). Also called: Stroke, hemorrhagic, susceptibility to. Identifiers: MedGen C3281105, MONDO:0100533, OMIM 614519.
Renal tubular dysgenesis of genetic origin. Also called: PRIMITIVE RENAL TUBULE SYNDROME. Identifiers: Orphanet 97369, MedGen C5681536, MONDO:0009970, OMIM 267430.
Microvascular complications of diabetes, susceptibility to, 3. Identifiers: MedGen C2675470, MONDO:0012963, OMIM 612624.

Submissions (2):

Labcorp Genetics (formerly Invitae), Labcorp
Classification: Uncertain significance. Last evaluated: 2025-09-02. Review status: criteria provided, single submitter. Criteria: Invitae Variant Classification Sherloc (09022015). Collection method: clinical testing. Allele origin: germline.
Comment: This variant, c.50_55del, results in the deletion of 2 amino acid(s) of the ACE protein (p.Pro17_Leu18del), but otherwise preserves the integrity of the reading frame. This variant is present in population databases (rs767132000, gnomAD 0.04%). This variant has not been reported in the literature in individuals affected with ACE-related conditions. Experimental studies and prediction algorithms are not available or were not evaluated, and the functional significance of this variant is currently unknown. In summary, the available evidence is currently insufficient to determine the role of this variant in disease. Therefore, it has been classified as a Variant of Uncertain Significance.

Fulgent Genetics
Classification: Uncertain significance for Renal tubular dysgenesis of genetic origin; Microvascular complications of diabetes, susceptibility to, 3; Hemorrhage, intracerebral, susceptibility to. Last evaluated: 2024-06-14. Review status: criteria provided, single submitter. Criteria: ACMG Guidelines, 2015. Collection method: clinical testing. Allele origin: germline.

NM_000789.4(ACE):c.44CGCTGC[1] (p.15PL[1])

Gene: ACE (angiotensin I converting enzyme; plus strand). Cytogenetic location: 17q23.3.
Variant type: Microsatellite.
Coding change: c.44CGCTGC[1] on transcript NM_000789.4 (MANE Select); one copy of the 6-base unit CGCTGC starting at c.44; the reference has two copies in a row; one copy, 6 bases deleted; also written c.50_55del.
Protein change: p.15PL[1].
Molecular consequence: inframe deletion. On other transcripts: 5 prime UTR variant (2).
Genome position (GRCh38, 1-based): chr17:63,477,144-63,477,149, CGCTGC deleted; deleting any 6 consecutive bases within chr17:63,477,133-63,477,149 gives the same sequence; the position shown is the placement nearest the transcript's 3' end. VCF-style (leftmost placement, unchanged base first): chr17-63477132-TGCTGCC-T. GRCh37 (hg19) VCF-style: chr17-61554493-TGCTGCC-T.
Other names: c.50_55del (NM_000789.4); c.-192CGCTGC[1] (NM_001382700.1); c.-571CGCTGC[1] (NM_001382701.1).
Identifiers: ClinVar variation 1428732 (VCV001428732.10), dbSNP rs532691783, ClinGen allele CA8698935.